The following is an entry in ClinVar:

NM_001129.5(AEBP1):c.3151C>T (p.Pro1051Ser)

Gene: AEBP1 (AE binding protein 1; plus strand). Cytogenetic location: 7p13.
Variant type: single nucleotide variant.
Coding change: c.3151C>T on transcript NM_001129.5 (MANE Select); coding-DNA position 3151, C replaced by T.
Protein change: p.Pro1051Ser; replaces proline 1051 with serine.
Molecular consequence: missense variant.
Genome position (GRCh38, 1-based): chr7:44,113,935, C>T. VCF-style: chr7-44113935-C-T. GRCh37 (hg19) VCF-style: chr7-44153534-C-T.
Other names: short protein forms P1051S.
Identifiers: ClinVar variation 2191226 (VCV002191226.2), dbSNP rs2484365795, ClinGen allele CA367374939.

ClinVar aggregate classification (germline): Uncertain significance (1 of 4 stars; one submission).

Allele frequency attached by ClinVar (database versions not stated): gnomAD exomes 0.00001.
gnomAD v4.1: 12 of 1,613,468 alleles (0.00074%); highest among the groups gnomAD compares: Non-Finnish European, 0.001%; no homozygotes.

Submission:

Labcorp Genetics (formerly Invitae), Labcorp
Classification: Uncertain significance. Last evaluated: 2022-05-16. Review status: criteria provided, single submitter. Criteria: Invitae Variant Classification Sherloc (09022015). Collection method: clinical testing. Allele origin: germline.
Comment: This variant has not been reported in the literature in individuals affected with AEBP1-related conditions. This variant is not present in population databases (gnomAD no frequency). This sequence change replaces proline, which is neutral and non-polar, with serine, which is neutral and polar, at codon 1051 of the AEBP1 protein (p.Pro1051Ser). Algorithms developed to predict the effect of missense changes on protein structure and function output the following: SIFT: "Tolerated"; PolyPhen-2: "Benign"; Align-GVGD: "Class C0". The serine amino acid residue is found in multiple mammalian species, which suggests that this missense change does not adversely affect protein function. In summary, the available evidence is currently insufficient to determine the role of this variant in disease. Therefore, it has been classified as a Variant of Uncertain Significance.